The following is an entry in ClinVar:

NM_015346.4(ZFYVE26):c.6115del (p.Arg2039fs)

Gene: ZFYVE26 (zinc finger FYVE-type containing 26; minus strand). Cytogenetic location: 14q24.1.
Variant type: Deletion.
Coding change: c.6115del on transcript NM_015346.4 (MANE Select); coding-DNA position 6115, one base deleted (A; older notation c.6115delA).
Protein change: p.Arg2039fs; shifts the reading frame from arginine 2039.
Molecular consequence: frameshift variant.
Genome position (GRCh38, 1-based): chr14:67,762,716, T deleted on the plus strand (A on the coding strand, the reverse complement: ZFYVE26 is on the minus strand); the first of 2 consecutive T bases (chr14:67,762,716-67,762,717); deleting either gives the same sequence. VCF-style (leftmost placement, unchanged base first): chr14-67762715-CT-C. GRCh37 (hg19) VCF-style: chr14-68229432-CT-C.
Other names: short protein forms R2039fs.
Identifiers: ClinVar variation 1726899 (VCV001726899.2), dbSNP rs2503969019, ClinGen allele CA2580088628.
Genomic context (GRCh38, chr14:67,762,715, plus strand): 5'-CTTTGTCTTTGTCTCACCTCAACGCCCAGTTGGTAGTACTCGGCTTCCAAAAGCTGGTTC[CT>C]TAGCCTGGTTACTGCAGCTGGCTGCAAGATCTGATCCAAAGATGGCACGTGGCGATAGGC-3'

ClinVar aggregate classification (germline): Likely pathogenic (1 of 4 stars; one submission).

Conditions:
Hereditary spastic paraplegia 15 (SPG15). Also called: SPASTIC PARAPLEGIA 15, AUTOSOMAL RECESSIVE; KJELLIN SYNDROME; SPASTIC PARAPLEGIA AND RETINAL DEGENERATION. Identifiers: Orphanet 100996, MedGen C1849128, MONDO:0010044, OMIM 270700.

Submission:

Myriad Genetics, Inc.
Classification: Likely pathogenic for Hereditary spastic paraplegia 15. Last evaluated: 2022-01-02. Review status: criteria provided, single submitter. Criteria: Myriad Women's Health Autosomal Recessive and X-Linked Classification Criteria (2021). Collection method: clinical testing. Allele origin: unknown.
Comment: NM_015346.3(ZFYVE26):c.6115delA(R2039Gfs*52) is expected to be pathogenic in the context of spastic paraplegia type 15. This variant is predicted to lead to an abnormal or absent protein product due to the creation of a premature termination codon in ZFYVE26, a gene where loss-of-function variants are known to be pathogenic. Please note: this variant was assessed in the context of healthy population screening.